The following is an entry in ClinVar:

ClinVar aggregate classification (germline): Uncertain significance (1 of 4 stars; one submission).

Submission:

GeneDx
Classification: Uncertain significance. Last evaluated: 2019-06-04. Review status: criteria provided, single submitter. Criteria: GeneDx Variant Classification Process June 2021. Collection method: clinical testing. Allele origin: germline. Affected: yes.
Comment: Not observed in large population cohorts (Lek et al., 2016); In silico analysis, which includes protein predictors and evolutionary conservation, supports a deleterious effect; Has not been previously published as pathogenic or benign to our knowledge

NM_001065.4(TNFRSF1A):c.332A>G (p.Gln111Arg)

Gene: TNFRSF1A (TNF receptor superfamily member 1A; minus strand). Cytogenetic location: 12p13.31.
Variant type: single nucleotide variant.
Coding change: c.332A>G on transcript NM_001065.4 (MANE Select); coding-DNA position 332, A replaced by G.
Protein change: p.Gln111Arg; replaces glutamine 111 with arginine.
Molecular consequence: missense variant. On other transcripts: 5 prime UTR variant (1), non-coding transcript variant (1).
Genome position (GRCh38, 1-based): chr12:6,333,507, T>C on the plus strand (A>G on the coding strand, the complement: TNFRSF1A is on the minus strand). VCF-style: chr12-6333507-T-C. GRCh37 (hg19) VCF-style: chr12-6442673-T-C.
Other names: c.8A>G, p.Gln3Arg (NM_001346091.2); c.-246A>G (NM_001346092.2); short protein forms Q111R, Q3R.
Identifiers: ClinVar variation 1315625 (VCV001315625.2), dbSNP rs2136822038, ClinGen allele CA383550311.
Genomic context (GRCh38, chr12:6,333,507, plus strand): 5'-TGGTTCTTCCTGCAGCCACACACGGTGTCCCGGTCCACTGTGCAAGAAGAGATCTCCACC[T>C]GACCCATTTCTGGTGAGGGGAGAAGATGGGGTATGAGTCCTGCATCCTCCTGTCCCTGCA-3'
Protein context (NP_001056.1, residues 101-121): SCSKCRKEMG[Gln111Arg]VEISSCTVDR